The following is an entry in ClinVar:

ClinVar aggregate classification (germline): Likely pathogenic. Review status: criteria provided, multiple submitters, no conflicts (2 of 4 stars). 2 submissions from 2 submitters: Likely pathogenic (2). Last evaluated 2023-05-22.

Conditions:
ABCA4-related disorder. Also called: ABCA4-related condition; ABCA4-related disorders. Identifiers: MedGen CN239167.

gnomAD v4.1: 2 of 1,614,122 alleles (0.00012%); highest among the groups gnomAD compares: Admixed American, 0.0033%; no homozygotes.

Submissions (2):

Blueprint Genetics
Classification: Likely pathogenic for ABCA4-related disorders. Last evaluated: 2023-05-22. Review status: criteria provided, single submitter. Criteria: ACMG Guidelines, 2015. Collection method: clinical testing. Allele origin: germline. Affected: yes. Observed: 3 variant alleles.

Labcorp Genetics (formerly Invitae), Labcorp
Classification: Likely pathogenic. Last evaluated: 2022-02-11. Review status: criteria provided, single submitter. Criteria: Invitae Variant Classification Sherloc (09022015). Collection method: clinical testing. Allele origin: germline.
Comment: This sequence change replaces leucine, which is neutral and non-polar, with phenylalanine, which is neutral and non-polar, at codon 1138 of the ABCA4 protein (p.Leu1138Phe). This variant is not present in population databases (gnomAD no frequency). This missense change has been observed in individual(s) with clinical features of ABCA4-related conditions (Invitae). Advanced modeling of protein sequence and biophysical properties (such as structural, functional, and spatial information, amino acid conservation, physicochemical variation, residue mobility, and thermodynamic stability) performed at Invitae indicates that this missense variant is expected to disrupt ABCA4 protein function. Algorithms developed to predict the effect of sequence changes on RNA splicing suggest that this variant may create or strengthen a splice site. This variant disrupts the p.Leu1138 amino acid residue in ABCA4. Other variant(s) that disrupt this residue have been observed in individuals with ABCA4-related conditions (PMID: 25283059, 29848554), which suggests that this may be a clinically significant amino acid residue. In summary, the currently available evidence indicates that the variant is pathogenic, but additional data are needed to prove that conclusively. Therefore, this variant has been classified as Likely Pathogenic.

Literature cited by the submitters: PubMed 25283059 (cited by Labcorp Genetics (formerly Invitae), Labcorp); PubMed 29848554 (cited by Labcorp Genetics (formerly Invitae), Labcorp).

NM_000350.3(ABCA4):c.3412C>T (p.Leu1138Phe)

Gene: ABCA4 (ATP binding cassette subfamily A member 4; minus strand). Cytogenetic location: 1p22.1.
Variant type: single nucleotide variant.
Coding change: c.3412C>T on transcript NM_000350.3 (MANE Select); coding-DNA position 3412, C replaced by T.
Protein change: p.Leu1138Phe; replaces leucine 1138 with phenylalanine.
Molecular consequence: missense variant.
Genome position (GRCh38, 1-based): chr1:94,041,319, G>A on the plus strand (C>T on the coding strand, the complement: ABCA4 is on the minus strand). VCF-style: chr1-94041319-G-A. GRCh37 (hg19) VCF-style: chr1-94506875-G-A.
Other names: c.3190C>T, p.Leu1064Phe (NM_001425324.1); short protein forms L1138F, L1064F.
Identifiers: ClinVar variation 2096974 (VCV002096974.5), dbSNP rs2523765294, ClinGen allele CA341290948.